The following is an entry in ClinVar:

ClinVar aggregate classification (germline): Pathogenic/Likely pathogenic. Review status: criteria provided, multiple submitters, no conflicts (2 of 4 stars). 2 submissions from 2 submitters: Pathogenic (1); Likely pathogenic (1). Last evaluated 2026-02-13.

Conditions:
Congenital myasthenic syndrome 19. Identifiers: Orphanet 590, MedGen C4225235, MONDO:0014745, OMIM 616720.

Submissions (2):

OLLIN Analises Genomicas, OLLIN
Classification: Likely pathogenic for Congenital myasthenic syndrome 19. Last evaluated: 2026-02-13. Review status: criteria provided, single submitter. Criteria: ACMG Guidelines 2015 PMID 25741868. Collection method: clinical testing. Allele origin: germline. Observed: 1 variant allele.
Comment: PVS1, PM2_P

Labcorp Genetics (formerly Invitae), Labcorp
Classification: Pathogenic. Last evaluated: 2024-05-16. Review status: criteria provided, single submitter. Criteria: Invitae Variant Classification Sherloc (09022015). Collection method: clinical testing. Allele origin: germline.
Comment: This sequence change creates a premature translational stop signal (p.Ser267Trpfs*67) in the COL13A1 gene. It is expected to result in an absent or disrupted protein product. Loss-of-function variants in COL13A1 are known to be pathogenic (PMID: 26626625). This variant is not present in population databases (gnomAD no frequency). This variant has not been reported in the literature in individuals affected with COL13A1-related conditions. For these reasons, this variant has been classified as Pathogenic.

Literature cited by the submitters: PubMed 26626625 (cited by Labcorp Genetics (formerly Invitae), Labcorp).

NM_001368882.1(COL13A1):c.769_803del (p.Ser257fs)

Gene: COL13A1 (collagen type XIII alpha 1 chain; plus strand). Cytogenetic location: 10q22.1.
Variant type: Deletion.
Coding change: c.769_803del on transcript NM_001368882.1 (MANE Select); coding-DNA positions 769 to 803, 35 bases deleted.
Protein change: p.Ser257fs; shifts the reading frame from serine 257.
Molecular consequence: frameshift variant.
Genome position (GRCh38, 1-based): chr10:69,902,766-69,902,800, 35 bases deleted; deleting any 35 consecutive bases within chr10:69,902,764-69,902,800 gives the same sequence; the c. name uses the placement nearest the transcript's 3' end. GRCh37 (hg19): chr10:71,662,522-71,662,556.
Other names: c.799_833del, p.Ser267fs (NM_001130103.2); c.769_803del, p.Ser257fs (NM_001320951.2, NM_001368884.1); c.733_767del, p.Ser245fs (NM_001368883.1, NM_001368885.1, NM_080801.4 and 1 more transcripts); c.169_203del, p.Ser57fs (NM_001368886.1); c.679_713del, p.Ser227fs (NM_001368895.1); c.628_662del, p.Ser210fs (NM_001368896.1, NM_001368898.1, NM_080798.4); c.655_689del, p.Ser219fs (NM_001368897.1); c.742_776del, p.Ser248fs (NM_080800.4); and 1 more; short protein forms S216fs, S219fs, S227fs, S248fs, S210fs, S267fs, S57fs, S245fs.
Identifiers: ClinVar variation 3680272 (VCV003680272.3).